The following is an entry in ClinVar:

NM_000540.3(RYR1):c.14809A>G (p.Ile4937Val)

Gene: RYR1 (ryanodine receptor 1; plus strand). Cytogenetic location: 19q13.2.
Variant type: single nucleotide variant.
Coding change: c.14809A>G on transcript NM_000540.3 (MANE Select); coding-DNA position 14809, A replaced by G.
Protein change: p.Ile4937Val; replaces isoleucine 4937 with valine.
Molecular consequence: missense variant.
Genome position (GRCh38, 1-based): chr19:38,585,943, A>G. VCF-style: chr19-38585943-A-G. GRCh37 (hg19) VCF-style: chr19-39076583-A-G.
Other names: c.14809A>G (NM_000540.2); c.14794A>G, p.Ile4932Val (NM_001042723.2); short protein forms I4932V, I4937V.
Identifiers: ClinVar variation 1048118 (VCV001048118.4), dbSNP rs2145917369, ClinGen allele CA405692136.
Genomic context (GRCh38, chr19:38,585,943, plus strand): 5'-GGGGAGTCTGAACCAGGTCAGAGGTCGGGCACTGACTTGTGTCCTGCCACCCCAGGTCTG[A>G]TCATCGACGCTTTTGGTGAGCTCCGAGACCAACAAGAGCAAGTGAAGGAGGATATGGAGG-3'
Protein context (NP_000531.2, residues 4927-4947): VILLAIIQGL[Ile4937Val]IDAFGELRDQ

ClinVar aggregate classification (germline): Uncertain significance. Review status: criteria provided, single submitter (1 of 4 stars). 2 submissions from 2 submitters: Uncertain significance (1). 1 of the submissions does not count toward it. Last evaluated 2022-08-12.

Conditions:
Malignant hyperthermia, susceptibility to, 1 (MHS1). Also called: Anesthesia related hyperthermia; Malignant hyperpyrexia; Fulminating hyperpyrexia; Pharmacogenic myopathy; RYR1-Related Malignant Hyperthermia Susceptibility; Malignant hyperthermia suceptibility 1. Identifiers: Orphanet 423, MedGen C2930980, MONDO:0007783, OMIM 145600.

Submissions (2):

Women's Health and Genetics/Laboratory Corporation of America, LabCorp
Classification: Uncertain significance. Last evaluated: 2022-08-12. Review status: criteria provided, single submitter. Criteria: LabCorp Variant Classification Summary - May 2015. Collection method: clinical testing. Allele origin: germline.
Comment: Variant summary: RYR1 c.14809A>G (p.Ile4937Val) results in a conservative amino acid change located in the Ion transport domain (IPR005821) of the encoded protein sequence. Three of four in-silico tools predict a damaging effect of the variant on protein function. The variant was absent in 251464 control chromosomes (gnomAD). At least one publication reported experimental evidence evaluating an impact on protein function, and demonstrated a significant increase in Ca2+ release in response to a RYR1 agonist (caffeine) in an in vitro transfection assay (HEK293), where Ca2+ release was measured by fluorescence; these results are consistent with a gain of function mechanism, characteristic for malignant hyperthermia susceptibility (MHS; see PMID: 33767344). In addition, neighboring missense changes (Gly4935Asp/Ser, Leu4936Arg, Ile4938Met/Thr/Val, and Asp4939Glu) are reported in affected individuals (with varying phenotypes), indicating a functional significance for this protein region (HGMD). One clinical diagnostic laboratory has submitted clinical-significance assessments for this variant to ClinVar after 2014 and classified the variant as likely pathogenic. Based on the evidence outlined above, the variant was classified as VUS-possibly pathogenic.

HUSP Clinical Genetics Laboratory, Hospital Universitario San Pedro De Logroño (HUSP)
Classification: Likely pathogenic for Malignant hyperthermia, susceptibility to, 1. Last evaluated: 2019-10-16. Review status: no assertion criteria provided. Collection method: clinical testing. Allele origin: inherited. Inheritance: Autosomal dominant inheritance. Affected: yes. Observed: 3 variant alleles, 3 heterozygotes. Clinical features observed: Malignant hyperthermia (HP:0002047), Elevated circulating creatine kinase concentration (HP:0003236). Not counted in ClinVar's aggregate classification.
Comment: The c.14809A>G variant, located in coding exon 102 of the RYR1 gene (NM_000540.3), results from a A to G substitution at nucleotide position 14809. The isoleucine at codon 4937 is replaced by valine. This alteration has not been reported previously in the literature and it is not detected in general population. The amino acid position is conserved in available vertebrate species and in-silico tools predict that it is very likely to affect protein function. Pathological variants in the RYR1 gene are associated with the phenotype of Malignant hyperthermia susceptibility 1 (OMIM: 145600) with autosomal dominant inheritance. Therefore, we consider that clinical significance of c.14809A>G variant is likely pathogenic.

Literature cited by the submitters: PubMed 28584051 (cited by Women's Health and Genetics/Laboratory Corporation of America, LabCorp).